The following is an entry in ClinVar:

NM_001270974.2(HYDIN):c.8382T>C (p.Ile2794=)

Gene: HYDIN (HYDIN axonemal central pair apparatus protein; minus strand). Cytogenetic location: 16q22.2.
Variant type: single nucleotide variant.
Coding change: c.8382T>C on transcript NM_001270974.2 (MANE Select); coding-DNA position 8382, T replaced by C.
Protein change: p.Ile2794=; no amino-acid change (isoleucine 2794 retained).
Molecular consequence: synonymous variant.
Genome position (GRCh38, 1-based): chr16:70,908,266, A>G on the plus strand (T>C on the coding strand, the complement: HYDIN is on the minus strand). VCF-style: chr16-70908266-A-G. GRCh37 (hg19) VCF-style: chr16-70942169-A-G.
Identifiers: ClinVar variation 2646739 (VCV002646739.24), dbSNP rs375589858, ClinGen allele CA8149765.

ClinVar aggregate classification (germline): Likely benign (1 of 4 stars; one submission).

Allele frequency attached by ClinVar (database versions not stated): gnomAD exomes 0.00002; ExAC 0.00006; gnomAD 0.00016; ESP Exome Variant Server 0.00025; TOPMed 0.00025.
gnomAD v4.1: 48 of 1,248,470 alleles (0.0038%); highest among the groups gnomAD compares: African/African-American, 0.071%; no homozygotes.

Submission:

CeGaT Center for Human Genetics Tuebingen
Classification: Likely benign. Last evaluated: 2023-03-01. Review status: criteria provided, single submitter. Criteria: CeGaT Center For Human Genetics Tuebingen Variant Classification Criteria Version 2. Collection method: clinical testing. Allele origin: germline. Affected: yes. Observed: 1 variant allele.
Comment: HYDIN: BP4, BP7